The following is an entry in ClinVar:

NC_000019.9:g.(?_8455301)_(8464962_?)del

Gene: RAB11B (RAB11B, member RAS oncogene family; plus strand). Cytogenetic location: 19p13.2.
Variant type: Deletion.
Identifiers: ClinVar variation 1436548 (VCV001436548.5).

ClinVar aggregate classification (germline): Uncertain significance (1 of 4 stars; one submission).

Submission:

Labcorp Genetics (formerly Invitae), Labcorp
Classification: Uncertain significance. Last evaluated: 2022-07-25. Review status: criteria provided, single submitter. Criteria: Invitae Variant Classification Sherloc (09022015). Collection method: clinical testing. Allele origin: germline.
Comment: This variant is a gross deletion of the genomic region encompassing exon(s) 1-2 of the RAB11B gene, which includes the initiator codon. This deletion extends beyond the assayed region for this gene and therefore may encompass additional genes. It is expected to result in an absent or disrupted protein product. However, the current clinical and genetic evidence is not sufficient to establish whether loss-of-function variants in RAB11B cause disease. This variant has not been reported in the literature in individuals affected with RAB11B-related conditions. Experimental studies and prediction algorithms are not available or were not evaluated, and the functional significance of this variant is currently unknown. In summary, the available evidence is currently insufficient to determine the role of this variant in disease. Therefore, it has been classified as a Variant of Uncertain Significance.